The following is an entry in ClinVar:

ClinVar aggregate classification (germline): Conflicting classifications of pathogenicity. Review status: criteria provided, conflicting classifications (1 of 4 stars). 4 submissions from 4 submitters: Uncertain significance (3); Likely benign (1). Last evaluated 2026-03-24.

gnomAD v4.1: 101 of 1,606,678 alleles (0.0063%); highest among the groups gnomAD compares: Admixed American, 0.01%; no homozygotes.

Submissions (4):

Women's Health and Genetics/Laboratory Corporation of America, LabCorp
Classification: Uncertain significance. Last evaluated: 2026-03-24. Review status: criteria provided, single submitter. Criteria: LabCorp Variant Classification Summary - May 2015. Collection method: clinical testing. Allele origin: germline.
Comment: Variant summary: TGM6 c.1630G>T (p.Ala544Ser) results in a conservative amino acid change in the encoded protein sequence. Algorithms developed to predict the effect of missense changes on protein structure and function are either unavailable or do not agree on the potential impact of this missense change. The variant allele was found at a frequency of 6.6e-05 in 241980 control chromosomes. This frequency is not significantly higher than estimated for disease-causing variants in TGM6, allowing no conclusion about variant significance. c.1630G>T has been observed in at least one individuals affected with Spinocerebellar Ataxia 35 (Tripathy_2017) and cerebellar ataxia (Coutelier_2017). These report(s) do not provide unequivocal conclusions about association of the variant with Spinocerebellar Ataxia 35. To our knowledge, no experimental evidence demonstrating an impact on protein function has been reported. The following publications have been ascertained in the context of this evaluation (PMID: 28444220, 28934387). ClinVar contains an entry for this variant (Variation ID: 3571976). Based on the evidence outlined above, the variant was classified as uncertain significance.

Labcorp Genetics (formerly Invitae), Labcorp
Classification: Uncertain significance. Last evaluated: 2025-08-29. Review status: criteria provided, single submitter. Criteria: Invitae Variant Classification Sherloc (09022015). Collection method: clinical testing. Allele origin: germline.
Comment: This sequence change replaces alanine, which is neutral and non-polar, with serine, which is neutral and polar, at codon 544 of the TGM6 protein (p.Ala544Ser). This variant is present in population databases (rs147214177, gnomAD 0.01%). This missense change has been observed in individual(s) with spinocerebellar ataxia (PMID: 28444220, 28934387). ClinVar contains an entry for this variant (Variation ID: 3571976). Invitae Evidence Modeling of protein sequence and biophysical properties (such as structural, functional, and spatial information, amino acid conservation, physicochemical variation, residue mobility, and thermodynamic stability) indicates that this missense variant is not expected to disrupt TGM6 protein function with a negative predictive value of 80%. In summary, the available evidence is currently insufficient to determine the role of this variant in disease. Therefore, it has been classified as a Variant of Uncertain Significance.

Mayo Clinic Laboratories, Mayo Clinic
Classification: Likely benign. Last evaluated: 2025-04-21. Review status: criteria provided, single submitter. Criteria: ACMG Guidelines, 2015. Collection method: clinical testing. Allele origin: germline. Observed: 1 variant allele.
Comment: BS2, BP4

Athena Diagnostics
Classification: Uncertain significance. Last evaluated: 2024-02-22. Review status: criteria provided, single submitter. Criteria: Athena Diagnostics Criteria. Collection method: clinical testing. Allele origin: unknown.
Comment: Available data are insufficient to determine the clinical significance of the variant at this time. The frequency of this variant in the general population is higher than would generally be expected for pathogenic variants in this gene. Assessment of experimental evidence regarding the effect of this variant on protein function is inconclusive. There was no change observed in cellular localization due to this variant, yet other functions were not tested (PMID 28934387). This variant has been identified in at least one individual with clinical features associated with this gene.

Literature cited by the submitters: PubMed 28444220 (cited by 3 submitters); PubMed 28934387 (cited by 3 submitters).

NM_198994.3(TGM6):c.1630G>T (p.Ala544Ser)

Gene: TGM6 (transglutaminase 6; plus strand). Cytogenetic location: 20p13.
Variant type: single nucleotide variant.
Coding change: c.1630G>T on transcript NM_198994.3 (MANE Select); coding-DNA position 1630, G replaced by T.
Protein change: p.Ala544Ser; replaces alanine 544 with serine.
Molecular consequence: missense variant.
Genome position (GRCh38, 1-based): chr20:2,417,525, G>T. VCF-style: chr20-2417525-G-T. GRCh37 (hg19) VCF-style: chr20-2398171-G-T.
Other names: p.Ala544Ser; c.1630G>T, p.Ala544Ser (NM_001254734.2); short protein forms A544S.
Identifiers: ClinVar variation 3571976 (VCV003571976.6).